The following is an entry in ClinVar:

ClinVar aggregate classification (germline): Likely benign. Review status: criteria provided, multiple submitters, no conflicts (2 of 4 stars). 3 submissions from 3 submitters: Likely benign (3). Last evaluated 2026-01-20.

Conditions:
Nephronophthisis. Also called: Juvenile Nephronophthisis. Identifiers: Orphanet 655, MedGen C0687120, MONDO:0019005, HP:0000090.
NPHP4-related disorder. Also called: NPHP4-related condition; NPHP4-related disorders. Identifiers: MedGen CN239384.

Allele frequency attached by ClinVar (database versions not stated): gnomAD 0.00001 and 0.00002; gnomAD exomes 0.00002 and 0.00005; TOPMed 0.00003; ExAC 0.00007.
gnomAD v4.1: 38 of 1,613,842 alleles (0.0024%); highest among the groups gnomAD compares: Admixed American, 0.018%; no homozygotes.

Submissions (3):

Labcorp Genetics (formerly Invitae), Labcorp
Classification: Likely benign for Nephronophthisis. Last evaluated: 2026-01-20. Review status: criteria provided, single submitter. Criteria: Invitae Variant Classification Sherloc (09022015). Collection method: clinical testing. Allele origin: germline.

PreventionGenetics, part of Exact Sciences
Classification: Likely benign for NPHP4-related condition. Last evaluated: 2025-02-19. Review status: criteria provided, single submitter. Criteria: ACMG Guidelines, 2015. Collection method: clinical testing. Allele origin: germline.
Comment: This variant is classified as likely benign based on ACMG/AMP sequence variant interpretation guidelines (Richards et al. 2015 PMID: 25741868, with internal and published modifications).

Blueprint Genetics
Classification: Likely benign. Last evaluated: 2021-09-19. Review status: criteria provided, single submitter. Criteria: ACMG Guidelines, 2015. Collection method: clinical testing. Allele origin: germline.

NM_015102.5(NPHP4):c.3330G>A (p.Ala1110=)

Gene: NPHP4 (nephrocystin 4; minus strand). Cytogenetic location: 1p36.31.
Variant type: single nucleotide variant.
Coding change: c.3330G>A on transcript NM_015102.5 (MANE Select); coding-DNA position 3330, G replaced by A.
Protein change: p.Ala1110=; no amino-acid change (alanine 1110 retained).
Molecular consequence: synonymous variant. On other transcripts: non-coding transcript variant (1).
Genome position (GRCh38, 1-based): chr1:5,867,882, C>T on the plus strand (G>A on the coding strand, the complement: NPHP4 is on the minus strand). VCF-style: chr1-5867882-C-T. GRCh37 (hg19) VCF-style: chr1-5927942-C-T.
Other names: c.1791G>A, p.Ala597= (NM_001291593.2); c.1794G>A, p.Ala598= (NM_001291594.2); c.3330G>A (NM_015102.4).
Identifiers: ClinVar variation 1114750 (VCV001114750.11), dbSNP rs753585933, ClinGen allele CA553654.